The following is an entry in ClinVar:

NM_002335.4(LRP5):c.1828G>T (p.Gly610Trp)

Gene: LRP5 (LDL receptor related protein 5; plus strand). Cytogenetic location: 11q13.2.
Variant type: single nucleotide variant.
Coding change: c.1828G>T on transcript NM_002335.4 (MANE Select); coding-DNA position 1828, G replaced by T.
Protein change: p.Gly610Trp; replaces glycine 610 with tryptophan.
Molecular consequence: missense variant.
Genome position (GRCh38, 1-based): chr11:68,406,550, G>T. VCF-style: chr11-68406550-G-T. GRCh37 (hg19) VCF-style: chr11-68174018-G-T.
Other names: c.85G>T, p.Gly29Trp (NM_001291902.2); short protein forms G29W, G610W.
Identifiers: ClinVar variation 3350624 (VCV003350624.6).

ClinVar aggregate classification (germline): Conflicting classifications of pathogenicity. Review status: criteria provided, conflicting classifications (1 of 4 stars). 5 submissions from 5 submitters: Likely pathogenic (3); Uncertain significance (2). Last evaluated 2026-01-23.

Conditions:
Polycystic liver disease 4 with or without kidney cysts. Identifiers: MedGen C4693479, MONDO:0044327, OMIM 617875.
LRP5-related disorder. Also called: LRP5-related condition.
Worth disease. Also called: ENDOSTEAL HYPEROSTOSIS, AUTOSOMAL DOMINANT; OSTEOSCLEROSIS, AUTOSOMAL DOMINANT; Autosomal dominant osteosclerosis, Worth type. Identifiers: Orphanet 2790, MedGen C0432273, MONDO:0007764, OMIM 144750.
Bone mineral density quantitative trait locus 1 (BMND1). Identifiers: MedGen C1866079, OMIM 601884.
Exudative vitreoretinopathy 4 (EVR4). Identifiers: Orphanet 891, MedGen C1866176, MONDO:0011151, OMIM 601813.
Autosomal dominant osteopetrosis 1 (OPTA1). Also called: OSTEOPETROSIS, AUTOSOMAL DOMINANT, TYPE I. Identifiers: Orphanet 2783, MedGen C1843330, MONDO:0011877, OMIM 607634.
Osteoporosis with pseudoglioma (OPPG). Also called: osteoporosis-pseudoglioma syndrome. Identifiers: Orphanet 2788, MedGen C0432252, MONDO:0009820, OMIM 259770.

gnomAD v4.1: 26 of 1,614,078 alleles (0.0016%); highest among the groups gnomAD compares: East Asian, 0.011%; no homozygotes.

Submissions (5):

3billion
Classification: Uncertain significance for Polycystic liver disease 4 with or without kidney cysts. Last evaluated: 2026-01-23. Review status: criteria provided, single submitter. Criteria: ACMG Guidelines, 2015. Collection method: clinical testing. Allele origin: germline. Affected: yes.
Comment: The variant is observed at an extremely low frequency in the gnomAD v4.1.0 dataset (total allele frequency: 0.002%). Predicted Consequence/Location: Missense variant Functional studies provide moderate evidence of the variant having a damaging effect on the gene or gene product (PMID: 28677207). In silico tool predictions suggest damaging effect of the variant on gene or gene product [REVEL: 0.95 (>=0.6, sensitivity 0.68 and specificity 0.92); 3Cnet: 0.77 (> 0.75, sensitivity 0.96 and precision 0.92)]. The same nucleotide change resulting in the same amino acid change has been previously reported to be associated with LRP5-related disorder (ClinVar ID: VCV003350624 /PMID: 28677207).A different missense change at the same codon (p.Gly610Arg) has been reported to be associated with LRP5-related disorder (ClinVar ID: VCV000006294 /PMID: 15981244, 16252235). However the evidence of pathogenicity is insufficient at this time. Therefore, this variant is classified as VUS according to the recommendation of ACMG/AMP guideline.

Labcorp Genetics (formerly Invitae), Labcorp
Classification: Likely pathogenic. Last evaluated: 2025-05-07. Review status: criteria provided, single submitter. Criteria: Invitae Variant Classification Sherloc (09022015). Collection method: clinical testing. Allele origin: germline.
Comment: This sequence change replaces glycine, which is neutral and non-polar, with tryptophan, which is neutral and slightly polar, at codon 610 of the LRP5 protein (p.Gly610Trp). This variant is present in population databases (rs80358313, gnomAD 0.02%). This variant has not been reported in the literature in individuals affected with LRP5-related conditions. ClinVar contains an entry for this variant (Variation ID: 3350624). Invitae Evidence Modeling of protein sequence and biophysical properties (such as structural, functional, and spatial information, amino acid conservation, physicochemical variation, residue mobility, and thermodynamic stability) indicates that this missense variant is expected to disrupt LRP5 protein function with a positive predictive value of 95%. This variant disrupts the p.Gly610 amino acid residue in LRP5. Other variant(s) that disrupt this residue have been determined to be pathogenic (PMID: 15981244, 16252235, 20340138). This suggests that this residue is clinically significant, and that variants that disrupt this residue are likely to be disease-causing. In summary, the currently available evidence indicates that the variant is pathogenic, but additional data are needed to prove that conclusively. Therefore, this variant has been classified as Likely Pathogenic.

PreventionGenetics, part of Exact Sciences
Classification: Likely pathogenic for LRP5-related condition. Last evaluated: 2024-10-03. Review status: criteria provided, single submitter. Criteria: ACMG Guidelines, 2015. Collection method: clinical testing. Allele origin: germline.
Comment: The LRP5 c.1828G>T variant is predicted to result in the amino acid substitution p.Gly610Trp. This variant has been reported in the homozygous state in two siblings with hearing loss (Xia et al. 2017. PubMed ID: 28677207). An alternate substitution of this amino acid (p.Gly610Arg) has been reported in the compound heterozygous and homozygous states in individuals with familial exudative vitreoretinopathy (Qin et al. 2005. PubMed ID: 15981244; Chen et al. 2022. PubMed ID: 36018796). This variant is reported in 0.022% of alleles in individuals of East Asian descent in gnomAD. This variant is interpreted as likely pathogenic.

Blueprint Genetics
Classification: Uncertain significance. Last evaluated: 2020-12-30. Review status: criteria provided, single submitter. Criteria: ACMG Guidelines, 2015. Collection method: clinical testing. Allele origin: germline.

Juno Genomics, Hangzhou Juno Genomics, Inc
Classification: Likely pathogenic for Bone mineral density quantitative trait locus 1; Worth disease; Exudative vitreoretinopathy 4; Autosomal dominant osteopetrosis 1; Osteoporosis with pseudoglioma; Polycystic liver disease 4 with or without kidney cysts. Review status: criteria provided, single submitter. Criteria: ACMG Guidelines, 2015. Collection method: clinical testing. Allele origin: germline. Affected: yes.
Comment: Absent from controls (or at extremely low frequency if recessive) in Genome Aggregation Database.;Multiple lines of computational evidence support a deleterious effect on the gene or gene product.;Missense variant in a gene that has a low rate of benign missense variation.

Literature cited by the submitters: PubMed 15981244 (cited by 3billion and Labcorp Genetics (formerly Invitae), Labcorp); PubMed 28677207 (cited by 3billion); PubMed 16252235 (cited by Labcorp Genetics (formerly Invitae), Labcorp); PubMed 20340138 (cited by Labcorp Genetics (formerly Invitae), Labcorp).